The following is an entry in ClinVar:

NM_002353.3(TACSTD2):c.1A>G (p.Met1Val)

Gene: TACSTD2 (tumor associated calcium signal transducer 2; minus strand). Cytogenetic location: 1p32.1.
Variant type: single nucleotide variant.
Coding change: c.1A>G on transcript NM_002353.3 (MANE Select); coding-DNA position 1, A replaced by G.
Protein change: p.Met1Val; changes the start codon (methionine 1).
Molecular consequence: missense variant, initiator codon variant.
Genome position (GRCh38, 1-based): chr1:58,577,156, T>C on the plus strand (A>G on the coding strand, the complement: TACSTD2 is on the minus strand). VCF-style: chr1-58577156-T-C. GRCh37 (hg19) VCF-style: chr1-59042828-T-C.
Other names: short protein forms M1V.
Identifiers: ClinVar variation 5020893 (VCV005020893.1).

ClinVar aggregate classification (germline): Uncertain significance (1 of 4 stars; one submission).

Submission:

Dasa
Classification: Uncertain significance. Last evaluated: 2025-08-11. Review status: criteria provided, single submitter. Criteria: DASA Assertion Criteria. Collection method: clinical testing. Allele origin: germline.
Comment: NM_002353.3(TACSTD2):c.1A>G (p.Met1?) is a start-loss variant predicted to alter the translation initiation codon and impair normal protein translation. The affected residue or protein region has prior evidence supporting clinical relevance. This variant is rare in population databases. The currently available literature and clinical evidence are not sufficient to establish a definitive association between this variant and the reported condition. Therefore, this variant is classified as a variant of uncertain significance.